The following is an entry in ClinVar:

NM_007254.4(PNKP):c.979T>C (p.Phe327Leu)

Gene: PNKP (polynucleotide kinase 3'-phosphatase; minus strand). Cytogenetic location: 19q13.33.
Variant type: single nucleotide variant.
Coding change: c.979T>C on transcript NM_007254.4 (MANE Select); coding-DNA position 979, T replaced by C.
Protein change: p.Phe327Leu; replaces phenylalanine 327 with leucine.
Molecular consequence: missense variant.
Genome position (GRCh38, 1-based): chr19:49,862,421, A>G on the plus strand (T>C on the coding strand, the complement: PNKP is on the minus strand). VCF-style: chr19-49862421-A-G. GRCh37 (hg19) VCF-style: chr19-50365678-A-G.
Other names: short protein forms F327L.
Identifiers: ClinVar variation 538883 (VCV000538883.10), dbSNP rs912223009, ClinGen allele CA309494204.

ClinVar aggregate classification (germline): Uncertain significance. Review status: criteria provided, multiple submitters, no conflicts (2 of 4 stars). 2 submissions from 2 submitters: Uncertain significance (2). Last evaluated 2018-05-15.

Conditions:
Developmental and epileptic encephalopathy, 12 (DEE12). Identifiers: MedGen C3150988, MONDO:0013389, OMIM 613722.

Allele frequency attached by ClinVar (database versions not stated): gnomAD exomes below 0.00001; TOPMed 0.00002; gnomAD 0.00003.

Submissions (2):

Eurofins Ntd Llc (ga)
Classification: Uncertain significance. Last evaluated: 2018-05-15. Review status: criteria provided, single submitter. Criteria: EGL ClinVar v180209 classification definitions. Collection method: clinical testing. Allele origin: germline. Observed: 1 variant allele, 1 heterozygote.

Labcorp Genetics (formerly Invitae), Labcorp
Classification: Uncertain significance for Developmental and epileptic encephalopathy, 12. Last evaluated: 2017-12-18. Review status: criteria provided, single submitter. Criteria: Invitae Variant Classification Sherloc (09022015). Collection method: clinical testing. Allele origin: germline.
Comment: This sequence change replaces phenylalanine with leucine at codon 327 of the PNKP protein (p.Phe327Leu). The phenylalanine residue is highly conserved and there is a small physicochemical difference between phenylalanine and leucine. This variant is not present in population databases (ExAC no frequency). This variant has not been reported in the literature in individuals with PNKP-related disease. Algorithms developed to predict the effect of missense changes on protein structure and function (SIFT, PolyPhen-2, Align-GVGD) all suggest that this variant is likely to be tolerated, but these predictions have not been confirmed by published functional studies and their clinical significance is uncertain. In summary, the available evidence is currently insufficient to determine the role of this variant in disease. Therefore, it has been classified as a Variant of Uncertain Significance.